The following is an entry in ClinVar:

NM_020312.4(COQ9):c.299A>G (p.Gln100Arg)

Gene: COQ9 (coenzyme Q9; plus strand). Cytogenetic location: 16q21.
Variant type: single nucleotide variant.
Coding change: c.299A>G on transcript NM_020312.4 (MANE Select); coding-DNA position 299, A replaced by G.
Protein change: p.Gln100Arg; replaces glutamine 100 with arginine.
Molecular consequence: missense variant.
Genome position (GRCh38, 1-based): chr16:57,452,857, A>G. VCF-style: chr16-57452857-A-G. GRCh37 (hg19) VCF-style: chr16-57486769-A-G.
Other names: short protein forms Q100R.
Identifiers: ClinVar variation 1714870 (VCV001714870.6), dbSNP rs2543568060, ClinGen allele CA396027122.
Genomic context (GRCh38, chr16:57,452,857, plus strand): 5'-TCAGGTATACAGACCAGGGCGGCGAGGAGGAGGAGGACTATGAAAGTGAGGAGCAGTTGC[A>G]GCACCGCATCCTGACGGCAGCCCTTGAGTTTGTGCCCGCCCACGGGTGGACAGCAGAGGC-3'
Protein context (NP_064708.1, residues 90-110): EEDYESEEQL[Gln100Arg]HRILTAALEF

ClinVar aggregate classification (germline): Uncertain significance (1 of 4 stars; one submission).

Submission:

Labcorp Genetics (formerly Invitae), Labcorp
Classification: Uncertain significance. Last evaluated: 2024-10-23. Review status: criteria provided, single submitter. Criteria: Invitae Variant Classification Sherloc (09022015). Collection method: clinical testing. Allele origin: germline.
Comment: This sequence change replaces glutamine, which is neutral and polar, with arginine, which is basic and polar, at codon 100 of the COQ9 protein (p.Gln100Arg). This variant is not present in population databases (gnomAD no frequency). This variant has not been reported in the literature in individuals affected with COQ9-related conditions. ClinVar contains an entry for this variant (Variation ID: 1714870). An algorithm developed to predict the effect of missense changes on protein structure and function (PolyPhen-2) suggests that this variant is likely to be disruptive. In summary, the available evidence is currently insufficient to determine the role of this variant in disease. Therefore, it has been classified as a Variant of Uncertain Significance.